The following is an entry in ClinVar:

NM_001374736.1(DST):c.1653T>G (p.Ile551Met)

Gene: DST (dystonin; minus strand). Cytogenetic location: 6p12.1.
Variant type: single nucleotide variant.
Coding change: c.1653T>G on transcript NM_001374736.1 (MANE Select); coding-DNA position 1653, T replaced by G.
Protein change: p.Ile551Met; replaces isoleucine 551 with methionine.
Molecular consequence: missense variant.
Genome position (GRCh38, 1-based): chr6:56,645,991, A>C on the plus strand (T>G on the coding strand, the complement: DST is on the minus strand). VCF-style: chr6-56645991-A-C. GRCh37 (hg19) VCF-style: chr6-56510789-A-C.
Other names: c.1554T>G, p.Ile518Met (NM_001144769.5); c.1140T>G, p.Ile380Met (NM_001144770.2); c.1653T>G, p.Ile551Met (NM_001374722.1); c.1020T>G, p.Ile340Met (NM_001374729.1, NM_001374730.1, NM_001386100.1 and 1 more transcripts); c.1680T>G, p.Ile560Met (NM_001374734.1); short protein forms I380M, I518M, I551M, I340M, I560M.
Identifiers: ClinVar variation 4977963 (VCV004977963.1).
Genomic context (GRCh38, chr6:56,645,991, plus strand): 5'-TTTTTCTATGTCATTTGGATGATAACCTTGAAGGAGCTTGATGCGTCCAAATTCTATCCA[A>C]ATCTTGAGAAAACAAAAAACTTTAATGTGAAGCAAAAATGAAAACAAAACAAAACAAAGA-3'
Protein context (NP_001361665.1, residues 541-561): KIKRLYKLLE[Ile551Met]WIEFGRIKLL

ClinVar aggregate classification (germline): Uncertain significance (1 of 4 stars; one submission).

Conditions:
DST-related disorder. Also called: DST-related condition; DST-related disorders.

gnomAD v4.1: 10 of 1,607,838 alleles (0.00062%); highest among the groups gnomAD compares: Non-Finnish European, 0.00085%; no homozygotes.

Submission:

PreventionGenetics, part of Exact Sciences
Classification: Uncertain significance for DST-related condition. Last evaluated: 2026-09-24. Review status: criteria provided, single submitter. Criteria: ACMG Guidelines, 2015. Collection method: clinical testing. Allele origin: germline.
Comment: The DST c.1554T>G variant is predicted to result in the amino acid substitution p.Ile518Met. To our knowledge, this variant has not been reported in the literature. This variant is reported in 0.0024% of alleles in individuals of European (Non-Finnish) descent in gnomAD. At this time, the clinical significance of this variant is uncertain due to the absence of conclusive functional and genetic evidence.